The following is an entry in ClinVar:

ClinVar aggregate classification (germline): Uncertain significance (1 of 4 stars; one submission).

Submission:

Labcorp Genetics (formerly Invitae), Labcorp
Classification: Uncertain significance. Last evaluated: 2025-04-21. Review status: criteria provided, single submitter. Criteria: Invitae Variant Classification Sherloc (09022015). Collection method: clinical testing. Allele origin: germline.
Comment: This sequence change falls in intron 3 of the SLC25A12 gene. It does not directly change the encoded amino acid sequence of the SLC25A12 protein. Information on the frequency of this variant in the gnomAD database is not available, as this variant may be reported differently in the database. This variant has not been reported in the literature in individuals affected with SLC25A12-related conditions. ClinVar contains an entry for this variant (Variation ID: 2147957). Experimental studies and prediction algorithms are not available or were not evaluated, and the effect of this variant on mRNA splicing is currently unknown. In summary, the available evidence is currently insufficient to determine the role of this variant in disease. Therefore, it has been classified as a Variant of Uncertain Significance.

NM_003705.5(SLC25A12):c.210-21_210-20inv

Gene: SLC25A12 (solute carrier family 25 member 12; minus strand). Cytogenetic location: 2q31.1.
Variant type: Inversion.
Coding change: c.210-21_210-20inv on transcript NM_003705.5 (MANE Select).
Molecular consequence: intron variant.
Genome position: GRCh38 VCF-style: chr2-171855969-GT-AC. GRCh37 (hg19) VCF-style: chr2-172712479-GT-AC.
Identifiers: ClinVar variation 2147957 (VCV002147957.3), ClinGen allele CA2580064511.